The following is an entry in ClinVar:

ClinVar aggregate classification (germline): Uncertain significance (1 of 4 stars; one submission).

Conditions:
Walker-Warburg congenital muscular dystrophy. Also called: Muscular dystrophy-dystroglycanopathy, type A; Walker-Warburg syndrome. Identifiers: Orphanet 899, MedGen C0265221, MONDO:0000171.
Autosomal recessive limb-girdle muscular dystrophy type 2K. Also called: MUSCULAR DYSTROPHY-DYSTROGLYCANOPATHY (LIMB-GIRDLE), TYPE C, 1; MUSCULAR DYSTROPHY, LIMB-GIRDLE, TYPE 2K. Identifiers: Orphanet 86812, MedGen C1836373, MONDO:0012248, OMIM 609308.
Muscular dystrophy-dystroglycanopathy (congenital with impaired intellectual development), type B, 1. Also called: Muscular dystrophy-dystroglycanopathy (congenital with intellectual disability), type B1; MUSCULAR DYSTROPHY, CONGENITAL, POMT1-RELATED. Identifiers: MedGen C5436962, MONDO:0013159, OMIM 613155.

gnomAD v4.1: 1 of 1,613,912 alleles (0.000062%); highest among the groups gnomAD compares: Non-Finnish European, 0.000085%; no homozygotes.

Submission:

Labcorp Genetics (formerly Invitae), Labcorp
Classification: Uncertain significance for Muscular dystrophy-dystroglycanopathy (congenital with impaired intellectual development), type B, 1; Walker-Warburg congenital muscular dystrophy; Autosomal recessive limb-girdle muscular dystrophy type 2K. Last evaluated: 2022-07-06. Review status: criteria provided, single submitter. Criteria: Invitae Variant Classification Sherloc (09022015). Collection method: clinical testing. Allele origin: germline.
Comment: This sequence change replaces glutamic acid, which is acidic and polar, with glutamine, which is neutral and polar, at codon 156 of the POMT1 protein (p.Glu156Gln). This variant is not present in population databases (gnomAD no frequency). This variant has not been reported in the literature in individuals affected with POMT1-related conditions. Algorithms developed to predict the effect of missense changes on protein structure and function are either unavailable or do not agree on the potential impact of this missense change (SIFT: "Deleterious"; PolyPhen-2: "Probably Damaging"; Align-GVGD: "Class C0"). In summary, the available evidence is currently insufficient to determine the role of this variant in disease. Therefore, it has been classified as a Variant of Uncertain Significance.

NM_001077365.2(POMT1):c.466G>C (p.Glu156Gln)

Gene: POMT1 (protein O-mannosyltransferase 1; plus strand). Cytogenetic location: 9q34.13.
Variant type: single nucleotide variant.
Coding change: c.466G>C on transcript NM_001077365.2 (MANE Select); coding-DNA position 466, G replaced by C.
Protein change: p.Glu156Gln; replaces glutamic acid 156 with glutamine.
Molecular consequence: missense variant. On other transcripts: non-coding transcript variant (8).
Genome position (GRCh38, 1-based): chr9:131,508,949, G>C. VCF-style: chr9-131508949-G-C. GRCh37 (hg19) VCF-style: chr9-134384336-G-C.
Other names: c.466G>C, p.Glu156Gln (NM_007171.4, NM_001374690.1, NM_001353193.2 and 1 more transcripts); c.115G>C, p.Glu39Gln (NM_001353199.2, NM_001374691.1, NM_001374692.1 and 2 more transcripts); c.10G>C, p.Glu4Gln (NM_001353200.2, NM_001374695.1); c.304G>C, p.Glu102Gln (NM_001374689.1, NM_001374693.1, NM_001353194.2 and 3 more transcripts); c.-671G>C (NM_001411024.1); c.376G>C, p.Glu126Gln (NM_001353196.2); short protein forms E102Q, E126Q, E39Q, E4Q, E156Q.
Identifiers: ClinVar variation 2187736 (VCV002187736.1), dbSNP rs1209478677, ClinGen allele CA375306948.